The following is an entry in ClinVar:

NM_001035.3(RYR2):c.36G>C (p.Gln12His)

Gene: RYR2 (ryanodine receptor 2; plus strand). Cytogenetic location: 1q43.
Variant type: single nucleotide variant.
Coding change: c.36G>C on transcript NM_001035.3 (MANE Select); coding-DNA position 36, G replaced by C.
Protein change: p.Gln12His; replaces glutamine 12 with histidine.
Molecular consequence: missense variant.
Genome position (GRCh38, 1-based): chr1:237,042,557, G>C. VCF-style: chr1-237042557-G-C. GRCh37 (hg19) VCF-style: chr1-237205857-G-C.
Other names: c.36G>C, p.Gln12His (LRG_402t1); short protein forms Q12H.
Identifiers: ClinVar variation 532322 (VCV000532322.62), dbSNP rs746811389, ClinGen allele CA086434.

ClinVar aggregate classification (germline): Uncertain significance. Review status: criteria provided, multiple submitters, no conflicts (2 of 4 stars). 6 submissions from 6 submitters: Uncertain significance (6). Last evaluated 2025-12-27.

Conditions:
Cardiovascular phenotype. Identifiers: MedGen CN230736.
Catecholaminergic polymorphic ventricular tachycardia (CVPT). Also called: Catecholamine-induced polymorphic ventricular tachycardia. Identifiers: Orphanet 3286, MedGen C5574922, MONDO:0017990.
Cardiomyopathy (CMYO). Also called: Cardiomyopathies. Identifiers: Orphanet 167848, MedGen C0878544, MONDO:0004994, HP:0001638. Inheritance: Various modes of inheritance.
Catecholaminergic polymorphic ventricular tachycardia 1. Also called: VENTRICULAR TACHYCARDIA, STRESS-INDUCED POLYMORPHIC 1; RYR2-Related Catecholaminergic Polymorphic Ventricular Tachycardia; VENTRICULAR TACHYCARDIA, CATECHOLAMINERGIC POLYMORPHIC, 1, WITH OR WITHOUT ATRIAL DYSFUNCTION AND/OR DILATED CARDIOMYOPATHY. Identifiers: Orphanet 3286, MedGen C1631597, MONDO:0011484, OMIM 604772.

Allele frequency attached by ClinVar (database versions not stated): ExAC below 0.00001; TOPMed 0.00001; gnomAD 0.00002; gnomAD exomes 0.00008.
gnomAD v4.1: 19 of 1,261,812 alleles (0.0015%); highest among the groups gnomAD compares: Middle Eastern, 0.021%; no homozygotes.

Submissions (6):

Labcorp Genetics (formerly Invitae), Labcorp
Classification: Uncertain significance for Catecholaminergic polymorphic ventricular tachycardia 1. Last evaluated: 2025-12-27. Review status: criteria provided, single submitter. Criteria: Invitae Variant Classification Sherloc (09022015). Collection method: clinical testing. Allele origin: germline.
Comment: This sequence change replaces glutamine, which is neutral and polar, with histidine, which is basic and polar, at codon 12 of the RYR2 protein (p.Gln12His). This variant is present in population databases (rs746811389, gnomAD 0.01%). This variant has not been reported in the literature in individuals affected with RYR2-related conditions. ClinVar contains an entry for this variant (Variation ID: 532322). Invitae Evidence Modeling of protein sequence and biophysical properties (such as structural, functional, and spatial information, amino acid conservation, physicochemical variation, residue mobility, and thermodynamic stability) has been performed for this missense variant. However, the output from this modeling did not meet the statistical confidence thresholds required to predict the impact of this variant on RYR2 protein function. In summary, the available evidence is currently insufficient to determine the role of this variant in disease. Therefore, it has been classified as a Variant of Uncertain Significance.

Color Diagnostics, LLC DBA Color Health
Classification: Uncertain significance for Cardiomyopathy. Last evaluated: 2025-06-20. Review status: criteria provided, single submitter. Criteria: ACMG Guidelines, 2015. Collection method: clinical testing. Allele origin: germline.
Comment: This variant is located in the RYR2 protein. Computational prediction suggests that this variant may have a deleterious impact on protein structure and function. To our knowledge, functional studies have not been reported for this variant. This variant has not been reported in individuals affected with RYR2-related disorders in the literature. This variant has been identified in 3/39990 chromosomes in the general population by the Genome Aggregation Database (gnomAD). The available evidence is insufficient to determine the role of this variant in disease conclusively. Therefore, this variant is classified as a Variant of Uncertain Significance.

Molecular Diagnostic Laboratory for Inherited Cardiovascular Disease, Montreal Heart Institute
Classification: Uncertain significance for Cardiovascular phenotype. Last evaluated: 2025-04-09. Review status: criteria provided, single submitter. Criteria: ACMG Guidelines, 2015. Collection method: clinical testing. Allele origin: germline. Affected: yes.

Blueprint Genetics
Classification: Uncertain significance. Last evaluated: 2024-04-05. Review status: criteria provided, single submitter. Criteria: ACMG Guidelines, 2015. Collection method: clinical testing. Allele origin: germline.

All of Us Research Program, National Institutes of Health
Classification: Uncertain significance for Catecholaminergic polymorphic ventricular tachycardia. Last evaluated: 2024-03-05. Review status: criteria provided, single submitter. Criteria: ACMG Guidelines, 2015. Collection method: clinical testing. Allele origin: germline. Inheritance: Autosomal dominant inheritance. Observed: 2 variant alleles, 2 heterozygotes.
Comment: This variant is located in the RYR2 protein. Computational prediction suggests that this variant may have deleterious impact on protein structure and function (internally defined REVEL score threshold >= 0.7, PMID: 27666373). To our knowledge, functional studies have not been reported for this variant. This variant has not been reported in individuals affected with cardiovascular disorders in the literature. This variant has been identified in 3/39990 chromosomes in the general population by the Genome Aggregation Database (gnomAD). The available evidence is insufficient to determine the role of this variant in disease conclusively. Therefore, this variant is classified as a Variant of Uncertain Significance.

This study involves interpretation of variants in research participants for the purpose of population health screening. Participant phenotype was not available at the time of variant classification. Additional details can be found in publication PMID: 35346344, PMCID: PMC8962531

Ambry Genetics
Classification: Uncertain significance for Cardiovascular phenotype. Last evaluated: 2021-03-30. Review status: criteria provided, single submitter. Criteria: Ambry Variant Classification Scheme 2023. Collection method: clinical testing. Allele origin: germline.
Comment: The p.Q12H variant (also known as c.36G>C), located in coding exon 1 of the RYR2 gene, results from a G to C substitution at nucleotide position 36. The glutamine at codon 12 is replaced by histidine, an amino acid with highly similar properties. This variant was reported in a whole exome sequencing cohort; however, clinical details were limited (Landstrom AP et al. Circ Arrhythm Electrophysiol, 2017 Apr;10:). This amino acid position is highly conserved in available vertebrate species. In addition, the in silico prediction for this alteration is inconclusive. Since supporting evidence is limited at this time, the clinical significance of this alteration remains unclear.

Literature cited by the submitters: PubMed 28404607 (cited by Ambry Genetics).